The following is an entry in ClinVar:

NM_020312.4(COQ9):c.80G>A (p.Arg27His)

Gene: COQ9 (coenzyme Q9; plus strand). Cytogenetic location: 16q21.
Variant type: single nucleotide variant.
Coding change: c.80G>A on transcript NM_020312.4 (MANE Select); coding-DNA position 80, G replaced by A.
Protein change: p.Arg27His; replaces arginine 27 with histidine.
Molecular consequence: missense variant.
Genome position (GRCh38, 1-based): chr16:57,451,046, G>A. VCF-style: chr16-57451046-G-A. GRCh37 (hg19) VCF-style: chr16-57484958-G-A.
Other names: short protein forms R27H.
Identifiers: ClinVar variation 1425371 (VCV001425371.8), dbSNP rs781133617, ClinGen allele CA8076091.

ClinVar aggregate classification (germline): Uncertain significance (1 of 4 stars; one submission).

Allele frequency attached by ClinVar (database versions not stated): gnomAD 0.00001; gnomAD exomes 0.00001; TOPMed 0.00001; ExAC 0.00002.

Submission:

Labcorp Genetics (formerly Invitae), Labcorp
Classification: Uncertain significance. Last evaluated: 2022-07-12. Review status: criteria provided, single submitter. Criteria: Invitae Variant Classification Sherloc (09022015). Collection method: clinical testing. Allele origin: germline.
Comment: ClinVar contains an entry for this variant (Variation ID: 1425371). This variant has not been reported in the literature in individuals affected with COQ9-related conditions. This variant is present in population databases (rs781133617, gnomAD 0.01%). This sequence change replaces arginine, which is basic and polar, with histidine, which is basic and polar, at codon 27 of the COQ9 protein (p.Arg27His). Algorithms developed to predict the effect of missense changes on protein structure and function output the following: SIFT: "Tolerated"; PolyPhen-2: "Benign"; Align-GVGD: "Class C0". The histidine amino acid residue is found in multiple mammalian species, which suggests that this missense change does not adversely affect protein function. In summary, the available evidence is currently insufficient to determine the role of this variant in disease. Therefore, it has been classified as a Variant of Uncertain Significance.